The following is an entry in ClinVar:

ClinVar aggregate classification (germline): Uncertain significance (1 of 4 stars; one submission).

Conditions:
Short-rib thoracic dysplasia 11 with or without polydactyly (SRTD11). Also called: SHORT-RIB THORACIC DYSPLASIA 11 WITHOUT POLYDACTYLY. Identifiers: Orphanet 474, Orphanet 93271, MedGen C3810200, MONDO:0014287, OMIM 615633.

Allele frequency attached by ClinVar (database versions not stated): gnomAD exomes below 0.00001; gnomAD 0.00001.
gnomAD v4.1: 3 of 1,613,432 alleles (0.00019%); highest among the groups gnomAD compares: African/African-American, 0.0013%; no homozygotes.

Submission:

Labcorp Genetics (formerly Invitae), Labcorp
Classification: Uncertain significance for Short-rib thoracic dysplasia 11 with or without polydactyly. Last evaluated: 2021-07-17. Review status: criteria provided, single submitter. Criteria: Invitae Variant Classification Sherloc (09022015). Collection method: clinical testing. Allele origin: germline.
Comment: In summary, the available evidence is currently insufficient to determine the role of this variant in disease. Therefore, it has been classified as a Variant of Uncertain Significance. Algorithms developed to predict the effect of missense changes on protein structure and function (SIFT, PolyPhen-2, Align-GVGD) all suggest that this variant is likely to be disruptive. This variant has not been reported in the literature in individuals affected with WDR34-related conditions. This variant is not present in population databases (ExAC no frequency). This sequence change replaces proline with leucine at codon 521 of the WDR34 protein (p.Pro521Leu). The proline residue is highly conserved and there is a moderate physicochemical difference between proline and leucine.

NM_052844.4(DYNC2I2):c.1562C>T (p.Pro521Leu)

Gene: DYNC2I2 (dynein 2 intermediate chain 2; minus strand). Cytogenetic location: 9q34.11.
Variant type: single nucleotide variant.
Coding change: c.1562C>T on transcript NM_052844.4 (MANE Select); coding-DNA position 1562, C replaced by T.
Protein change: p.Pro521Leu; replaces proline 521 with leucine.
Molecular consequence: missense variant.
Genome position (GRCh38, 1-based): chr9:128,633,793, G>A on the plus strand (C>T on the coding strand, the complement: DYNC2I2 is on the minus strand). VCF-style: chr9-128633793-G-A. GRCh37 (hg19) VCF-style: chr9-131396072-G-A.
Other names: short protein forms P521L.
Identifiers: ClinVar variation 1681165 (VCV001681165.8), dbSNP rs1860237724, ClinGen allele CA375105827.